The following is an entry in ClinVar:

NM_018671.5(UNC45A):c.1111G>A (p.Ala371Thr)

Gene: UNC45A (unc-45 myosin chaperone A; plus strand). Cytogenetic location: 15q26.1.
Variant type: single nucleotide variant.
Coding change: c.1111G>A on transcript NM_018671.5 (MANE Select); coding-DNA position 1111, G replaced by A.
Protein change: p.Ala371Thr; replaces alanine 371 with threonine.
Molecular consequence: missense variant.
Genome position (GRCh38, 1-based): chr15:90,944,975, G>A. VCF-style: chr15-90944975-G-A. GRCh37 (hg19) VCF-style: chr15-91488205-G-A.
Other names: c.1066G>A, p.Ala356Thr (NM_001039675.2, NM_001323621.2); c.1111G>A, p.Ala371Thr (NM_001323619.1); c.676G>A, p.Ala226Thr (NM_001323620.2); c.1111G>A (NM_018671.3); short protein forms A356T, A226T, A371T.
Identifiers: ClinVar variation 1386766 (VCV001386766.4), dbSNP rs537813320, ClinGen allele CA7742791.

ClinVar aggregate classification (germline): Uncertain significance. Review status: criteria provided, multiple submitters, no conflicts (2 of 4 stars). 2 submissions from 2 submitters: Uncertain significance (2). Last evaluated 2025-04-01.

Conditions:
Inborn genetic diseases. Identifiers: MedGen C0950123, MeSH D030342.

Allele frequency attached by ClinVar (database versions not stated): TOPMed 0.00005; 1000 Genomes Project 0.00100; gnomAD exomes 0.00007 and 0.00008; gnomAD 0.00009 and 0.00003; 1000 Genomes Project 30x 0.00078; ExAC 0.00007.
gnomAD v4.1: 121 of 1,612,908 alleles (0.0075%); highest among the groups gnomAD compares: South Asian, 0.07%; 2 homozygotes.

Submissions (2):

Ambry Genetics
Classification: Uncertain significance for Inborn genetic diseases. Last evaluated: 2025-04-01. Review status: criteria provided, single submitter. Criteria: Ambry Variant Classification Scheme 2023. Collection method: clinical testing. Allele origin: germline.

Labcorp Genetics (formerly Invitae), Labcorp
Classification: Uncertain significance. Last evaluated: 2022-09-07. Review status: criteria provided, single submitter. Criteria: Invitae Variant Classification Sherloc (09022015). Collection method: clinical testing. Allele origin: germline.
Comment: This sequence change replaces alanine, which is neutral and non-polar, with threonine, which is neutral and polar, at codon 371 of the UNC45A protein (p.Ala371Thr). This variant is present in population databases (rs537813320, gnomAD 0.05%). This variant has not been reported in the literature in individuals affected with UNC45A-related conditions. ClinVar contains an entry for this variant (Variation ID: 1386766). Algorithms developed to predict the effect of missense changes on protein structure and function are either unavailable or do not agree on the potential impact of this missense change (SIFT: "Not Available"; PolyPhen-2: "Benign"; Align-GVGD: "Not Available"). In summary, the available evidence is currently insufficient to determine the role of this variant in disease. Therefore, it has been classified as a Variant of Uncertain Significance.